The following is an entry in ClinVar:

ClinVar aggregate classification (germline): Uncertain significance (1 of 4 stars; one submission).

Allele frequency attached by ClinVar (database versions not stated): ExAC 0.00015; 1000 Genomes Project 30x 0.00016; 1000 Genomes Project 0.00020; ESP Exome Variant Server 0.00031; gnomAD 0.00044; TOPMed 0.00045.
gnomAD v4.1: 115 of 1,605,696 alleles (0.0072%); highest among the groups gnomAD compares: African/African-American, 0.14%; no homozygotes.

Submission:

Labcorp Genetics (formerly Invitae), Labcorp
Classification: Uncertain significance. Last evaluated: 2022-05-30. Review status: criteria provided, single submitter. Criteria: Invitae Variant Classification Sherloc (09022015). Collection method: clinical testing. Allele origin: germline.
Comment: This sequence change falls in intron 1 of the SLCO2A1 gene. It does not directly change the encoded amino acid sequence of the SLCO2A1 protein. It affects a nucleotide within the consensus splice site. This variant is present in population databases (rs373232930, gnomAD 0.2%). This variant has not been reported in the literature in individuals affected with SLCO2A1-related conditions. Variants that disrupt the consensus splice site are a relatively common cause of aberrant splicing (PMID: 17576681, 9536098). Algorithms developed to predict the effect of sequence changes on RNA splicing suggest that this variant is not likely to affect RNA splicing. In summary, the available evidence is currently insufficient to determine the role of this variant in disease. Therefore, it has been classified as a Variant of Uncertain Significance.

Literature cited by the submitters: PubMed 17576681; PubMed 9536098.

NM_005630.3(SLCO2A1):c.97-3C>T

Gene: SLCO2A1 (solute carrier organic anion transporter family member 2A1; minus strand). Cytogenetic location: 3q22.1.
Variant type: single nucleotide variant.
Coding change: c.97-3C>T on transcript NM_005630.3 (MANE Select); 3 bases into the intron before coding-DNA position 97, C replaced by T.
Molecular consequence: intron variant.
Genome position (GRCh38, 1-based): chr3:133,979,621, G>A on the plus strand (C>T on the coding strand, the complement: SLCO2A1 is on the minus strand). VCF-style: chr3-133979621-G-A. GRCh37 (hg19) VCF-style: chr3-133698465-G-A.
Identifiers: ClinVar variation 2061427 (VCV002061427.1), dbSNP rs373232930, ClinGen allele CA2626927.